The following is an entry in ClinVar:

NM_000020.3(ACVRL1):c.1134C>T (p.Pro378=)

Gene: ACVRL1 (activin A receptor like type 1; plus strand). Cytogenetic location: 12q13.13.
Variant type: single nucleotide variant.
Coding change: c.1134C>T on transcript NM_000020.3 (MANE Select); coding-DNA position 1134, C replaced by T.
Protein change: p.Pro378=; no amino-acid change (proline 378 retained).
Molecular consequence: synonymous variant.
Genome position (GRCh38, 1-based): chr12:51,916,121, C>T. VCF-style: chr12-51916121-C-T. GRCh37 (hg19) VCF-style: chr12-52309905-C-T.
Other names: c.1134C>T, p.Pro378= (NM_001077401.2).
Identifiers: ClinVar variation 533357 (VCV000533357.17), dbSNP rs147021958, ClinGen allele CA6573073.
Genomic context (GRCh38, chr12:51,916,121, plus strand): 5'-CAGCGATTACCTGGACATCGGCAACAACCCGAGAGTGGGCACCAAGCGGTACATGGCACC[C>T]GAGGTGCTGGACGAGCAGATCCGCACGGACTGCTTTGAGTCCTACAAGTGGACTGACATC-3'
Protein context (NP_000011.2, residues 368-388): PRVGTKRYMA[Pro378=]EVLDEQIRTD

ClinVar aggregate classification (germline): Likely benign. Review status: criteria provided, multiple submitters, no conflicts (2 of 4 stars). 3 submissions from 3 submitters: Likely benign (3). Last evaluated 2025-09-24.

Conditions:
Telangiectasia, hereditary hemorrhagic, type 2 (HHT2). Also called: ACVRL1-Related Hereditary Hemorrhagic Telangiectasia; Telangiectasia, hereditary hemorrhagic, type II. Identifiers: Orphanet 774, MedGen C1838163, MONDO:0010880, OMIM 600376. Disease mechanism: loss of function.
Cardiovascular phenotype. Identifiers: MedGen CN230736.

Allele frequency attached by ClinVar (database versions not stated): gnomAD exomes 0.00005; ExAC 0.00007; TOPMed 0.00008; gnomAD 0.00009; ESP Exome Variant Server 0.00015.
gnomAD v4.1: 88 of 1,613,760 alleles (0.0055%); highest among the groups gnomAD compares: African/African-American, 0.021%; no homozygotes.

Submissions (3):

Labcorp Genetics (formerly Invitae), Labcorp
Classification: Likely benign for Telangiectasia, hereditary hemorrhagic, type 2. Last evaluated: 2025-09-24. Review status: criteria provided, single submitter. Criteria: Invitae Variant Classification Sherloc (09022015). Collection method: clinical testing. Allele origin: germline.

CeGaT Center for Human Genetics Tuebingen
Classification: Likely benign. Last evaluated: 2025-09-01. Review status: criteria provided, single submitter. Criteria: CeGaT Center For Human Genetics Tuebingen Variant Classification Criteria Version 2. Collection method: clinical testing. Allele origin: germline. Affected: yes. Observed: 1 variant allele.
Comment: ACVRL1: BP4, BP7

Ambry Genetics
Classification: Likely benign for Cardiovascular phenotype. Last evaluated: 2023-01-01. Review status: criteria provided, single submitter. Criteria: Ambry Variant Classification Scheme 2023. Collection method: clinical testing. Allele origin: germline.